The following is an entry in ClinVar:

ClinVar aggregate classification (germline): Uncertain significance. Review status: criteria provided, multiple submitters, no conflicts (2 of 4 stars). 2 submissions from 2 submitters: Uncertain significance (2). Last evaluated 2026-01-16.

Conditions:
Hematuria, benign familial, 1 (BFH1). Also called: THIN MEMBRANE NEPHROPATHY. Identifiers: MedGen CN376803, MONDO:0007709, OMIM 141200.
Autosomal recessive Alport syndrome (ATS2). Also called: COL4A3-Related Nephropathy; COL4A4 Alport Syndrome and Thin Basement Membrane Nephropathy; ALPORT SYNDROME 2, AUTOSOMAL RECESSIVE; Alport syndrome type 2. Identifiers: Orphanet 63, Orphanet 88919, MedGen C4746745, MONDO:0008762, OMIM 203780.

gnomAD v4.1: 9 of 1,613,950 alleles (0.00056%); highest among the groups gnomAD compares: African/African-American, 0.0067%; no homozygotes.

Submissions (2):

3billion
Classification: Uncertain significance for Autosomal recessive Alport syndrome. Last evaluated: 2026-01-16. Review status: criteria provided, single submitter. Criteria: ACMG Guidelines, 2015. Collection method: clinical testing. Allele origin: germline. Affected: yes.
Comment: The variant is observed at an extremely low frequency in the gnomAD v4.1.0 dataset (total allele frequency: <0.001%). Predicted Consequence/Location: The variant is located in a mutational hot spot and/or well-established functional domain in which established pathogenic variants have been reported (PMID: 30311386). Damaging effect on gene or gene product predicted by in silico programs is uncertain [REVEL: 0.42 (damaging >=0.6, benign <0.4), 3Cnet: 0.11 (damaging >0.75, benign <0.1)]. The variant has been reported as of uncertain significance (ClinVar ID: VCV003585939). Therefore, this variant is classified as VUS according to the recommendation of ACMG/AMP guideline.

Fulgent Genetics
Classification: Uncertain significance for Hematuria, benign familial, 1; Autosomal recessive Alport syndrome. Last evaluated: 2024-02-07. Review status: criteria provided, single submitter. Criteria: ACMG Guidelines, 2015. Collection method: clinical testing. Allele origin: germline.

NM_000092.5(COL4A4):c.425A>G (p.Asn142Ser)

Gene: COL4A4 (collagen type IV alpha 4 chain; minus strand). Cytogenetic location: 2q36.3.
Variant type: single nucleotide variant.
Coding change: c.425A>G on transcript NM_000092.5 (MANE Select); coding-DNA position 425, A replaced by G.
Protein change: p.Asn142Ser; replaces asparagine 142 with serine.
Molecular consequence: missense variant.
Genome position (GRCh38, 1-based): chr2:227,118,709, T>C on the plus strand (A>G on the coding strand, the complement: COL4A4 is on the minus strand). VCF-style: chr2-227118709-T-C. GRCh37 (hg19) VCF-style: chr2-227983425-T-C.
Other names: short protein forms N142S.
Identifiers: ClinVar variation 3585939 (VCV003585939.3).